The following is an entry in ClinVar:

ClinVar aggregate classification (germline): Benign (1 of 4 stars; one submission).

Submission:

Biesecker Lab/Clinical Genomics Section, National Institutes of Health
Classification: Benign. Last evaluated: 2013-06-24. Review status: criteria provided, single submitter. Criteria: Ng et al. (Circ Cardiovasc Genet. 2013). Collection method: research. Allele origin: unknown. Observed: 2 variant alleles. Study: ClinSeq.
Comment: The study set was not selected for affection status in relation to any cancer. Pathogenicity categories were based on literature curation. See Pubmed ID:23861362 for details.

Medical sequencing

NM_001267550.2(TTN):c.69739C>T (p.Pro23247Ser)

Genes: TTN (titin; minus strand), TTN-AS1 (TTN antisense RNA 1; plus strand), LOC126806422 (BRD4-independent group 4 enhancer GRCh37_chr2:179440205-179441404; plus strand). Cytogenetic location: 2q31.2.
Variant type: single nucleotide variant.
Coding change: c.69739C>T on transcript NM_001267550.2 (MANE Select); coding-DNA position 69739, C replaced by T.
Protein change: p.Pro23247Ser; replaces proline 23247 with serine.
Molecular consequence: missense variant.
Genome position (GRCh38, 1-based): chr2:178,576,393, G>A on the plus strand (C>T on the coding strand, the complement: TTN is on the minus strand). VCF-style: chr2-178576393-G-A. GRCh37 (hg19) VCF-style: chr2-179441120-G-A.
Other names: c.64816C>T, p.Pro21606Ser (NM_001256850.1); c.42544C>T, p.Pro14182Ser (NM_003319.4); c.62035C>T, p.Pro20679Ser (NM_133378.4); c.42919C>T, p.Pro14307Ser (NM_133432.3); c.43120C>T, p.Pro14374Ser (NM_133437.4); short protein forms P20679S, P23247S, P14374S, P21606S, P14182S, P14307S.
Identifiers: ClinVar variation 192206 (VCV000192206.1), dbSNP rs786205381, ClinGen allele CA200082.